The following is an entry in ClinVar:

NM_001384140.1(PCDH15):c.488G>A (p.Gly163Asp)

Gene: PCDH15 (protocadherin related 15; minus strand). Cytogenetic location: 10q21.1.
Variant type: single nucleotide variant.
Coding change: c.488G>A on transcript NM_001384140.1 (MANE Select); coding-DNA position 488, G replaced by A.
Protein change: p.Gly163Asp; replaces glycine 163 with aspartic acid.
Molecular consequence: missense variant.
Genome position (GRCh38, 1-based): chr10:54,346,471, C>T on the plus strand (G>A on the coding strand, the complement: PCDH15 is on the minus strand). VCF-style: chr10-54346471-C-T. GRCh37 (hg19) VCF-style: chr10-56106231-C-T.
Other names: c.488G>A, p.Gly163Asp (NM_001142765.2, NM_001142766.2, NM_001142767.2 and 8 more transcripts); c.422G>A, p.Gly141Asp (NM_001142768.2, NM_001142773.2, NM_001354404.2); c.503G>A, p.Gly168Asp (NM_001142769.4, NM_001142771.2, NM_001142763.2); short protein forms G141D, G163D, G168D.
Identifiers: ClinVar variation 3388107 (VCV003388107.15).

ClinVar aggregate classification (germline): Uncertain significance. Review status: criteria provided, multiple submitters, no conflicts (2 of 4 stars). 2 submissions from 2 submitters: Uncertain significance (2). Last evaluated 2024-11-01.

Conditions:
Inborn genetic diseases. Identifiers: MedGen C0950123, MeSH D030342.

Submissions (2):

CeGaT Center for Human Genetics Tuebingen
Classification: Uncertain significance. Last evaluated: 2024-11-01. Review status: criteria provided, single submitter. Criteria: CeGaT Center For Human Genetics Tuebingen Variant Classification Criteria Version 2. Collection method: clinical testing. Allele origin: germline. Affected: yes. Observed: 1 variant allele.
Comment: PCDH15: PM2:Supporting

Ambry Genetics
Classification: Uncertain significance for Inborn genetic diseases. Last evaluated: 2024-08-12. Review status: criteria provided, single submitter. Criteria: Ambry Variant Classification Scheme 2023. Collection method: clinical testing. Allele origin: germline.